The following is an entry in ClinVar:

NM_006766.5(KAT6A):c.4381C>T (p.Gln1461Ter)

Gene: KAT6A (lysine acetyltransferase 6A; minus strand). Cytogenetic location: 8p11.21.
Variant type: single nucleotide variant.
Coding change: c.4381C>T on transcript NM_006766.5 (MANE Select); coding-DNA position 4381, C replaced by T.
Protein change: p.Gln1461Ter; replaces glutamine 1461 with a stop codon.
Molecular consequence: nonsense.
Genome position (GRCh38, 1-based): chr8:41,933,839, G>A on the plus strand (C>T on the coding strand, the complement: KAT6A is on the minus strand). VCF-style: chr8-41933839-G-A. GRCh37 (hg19) VCF-style: chr8-41791357-G-A.
Other names: short protein forms Q1461*.
Identifiers: ClinVar variation 391696 (VCV000391696.4), dbSNP rs1057524195, ClinGen allele CA16605224.

ClinVar aggregate classification (germline): Pathogenic (1 of 4 stars; one submission).

Submission:

GeneDx
Classification: Pathogenic. Last evaluated: 2020-07-02. Review status: criteria provided, single submitter. Criteria: GeneDx Variant Classification Process June 2021. Collection method: clinical testing. Allele origin: germline. Affected: yes.
Comment: Nonsense variant in the C-terminus predicted to result in protein truncation, as the last 544 amino acids are lost, and other loss-of-function variants have been reported downstream in the Human Gene Mutation Database (Stenson et al., 2014); Not observed in large population cohorts (Lek et al., 2016); Identified in an individual with features of a KAT6A-related disorder including intellectual disability, hypotonia, strabismus, and feeding difficulties in published literature (Kennedy et al., 2019); This variant is associated with the following publications: (PMID: 30245513)